The following is an entry in ClinVar:

ClinVar aggregate classification (germline): Uncertain significance (1 of 4 stars; one submission).

Submission:

Labcorp Genetics (formerly Invitae), Labcorp
Classification: Uncertain significance. Last evaluated: 2025-05-13. Review status: criteria provided, single submitter. Criteria: Invitae Variant Classification Sherloc (09022015). Collection method: clinical testing. Allele origin: germline.
Comment: This sequence change replaces valine, which is neutral and non-polar, with isoleucine, which is neutral and non-polar, at codon 30 of the FUT8 protein (p.Val30Ile). This variant is not present in population databases (gnomAD no frequency). This variant has not been reported in the literature in individuals affected with FUT8-related conditions. Invitae Evidence Modeling of protein sequence and biophysical properties (such as structural, functional, and spatial information, amino acid conservation, physicochemical variation, residue mobility, and thermodynamic stability) indicates that this missense variant is not expected to disrupt FUT8 protein function with a negative predictive value of 80%. In summary, the available evidence is currently insufficient to determine the role of this variant in disease. Therefore, it has been classified as a Variant of Uncertain Significance.

NM_001371533.1(FUT8):c.88G>A (p.Val30Ile)

Gene: FUT8 (fucosyltransferase 8; plus strand). Cytogenetic location: 14q23.3.
Variant type: single nucleotide variant.
Coding change: c.88G>A on transcript NM_001371533.1 (MANE Select); coding-DNA position 88, G replaced by A.
Protein change: p.Val30Ile; replaces valine 30 with isoleucine.
Molecular consequence: missense variant. On other transcripts: non-coding transcript variant (1), intron variant (1).
Genome position (GRCh38, 1-based): chr14:65,561,651, G>A. VCF-style: chr14-65561651-G-A. GRCh37 (hg19) VCF-style: chr14-66028369-G-A.
Other names: c.88G>A, p.Val30Ile (NM_001371534.1, NM_001371536.1, NM_178155.3 and 1 more transcripts); c.-286-54327G>A (NM_004480.4); short protein forms V30I.
Identifiers: ClinVar variation 4745152 (VCV004745152.1).